The following is an entry in ClinVar:

ClinVar aggregate classification (germline): Likely pathogenic (1 of 4 stars; one submission).

Conditions:
Glycogen storage disease, type V (GSD5). Also called: McArdle type glycogen storage disease; MCARDLE DISEASE; MUSCLE GLYCOGEN PHOSPHORYLASE DEFICIENCY; MYOPHOSPHORYLASE DEFICIENCY; PYGM DEFICIENCY. Identifiers: Orphanet 368, MedGen C0017924, MONDO:0009293, OMIM 232600.

Submission:

Variantyx, Inc.
Classification: Likely pathogenic for Glycogen storage disease, type V. Last evaluated: 2025-12-30. Review status: criteria provided, single submitter. Criteria: Variantyx Assertion Criteria 2022. Collection method: clinical testing. Allele origin: germline. Inheritance: Autosomal recessive inheritance. Affected: yes.
Comment: This is a start loss variant in the PYGM gene (OMIM: 608455). Pathogenic variants in this gene have been associated with autosomal recessive McArdle disease. This variant results in loss of the initiation codonand is expected to result in loss of function, which is a known disease mechanism for PYGM in this disorder (PMID: 9506549, 25740218, 28967462) (PVS1). It is absent from control populations (PM2) and it has not been reported in individuals with PYGM-related disorders in the databases available for review. Based on the current evidence, this variant is classified as likely pathogenic for autosomal recessive McArdle disease.

Literature cited by the submitters: PubMed 9506549; PubMed 25740218; PubMed 28967462.

NM_005609.4(PYGM):c.2_18del (p.Met1fs)

Gene: PYGM (glycogen phosphorylase, muscle associated; minus strand). Cytogenetic location: 11q13.1.
Variant type: Deletion.
Coding change: c.2_18del on transcript NM_005609.4 (MANE Select); coding-DNA positions 2 to 18, 17 bases deleted (TGTCCCGGCCCCTGTCA).
Protein change: p.Met1fs; shifts the reading frame from methionine 1.
Molecular consequence: frameshift variant, initiator codon variant.
Genome position (GRCh38, 1-based): chr11:64,759,881-64,759,897, TGACAGGGGCCGGGACA deleted on the plus strand (TGTCCCGGCCCCTGTCA on the coding strand, the reverse complement: PYGM is on the minus strand); deleting any 17 consecutive bases within chr11:64,759,881-64,759,899 gives the same sequence; the c. name uses the placement nearest the transcript's 3' end. VCF-style (leftmost placement, unchanged base first): chr11-64759880-CTGACAGGGGCCGGGACA-C. GRCh37 (hg19) VCF-style: chr11-64527352-CTGACAGGGGCCGGGACA-C.
Other names: c.2_18del, p.Met1fs (NM_001164716.1); short protein forms M1fs.
Identifiers: ClinVar variation 4850128 (VCV004850128.1).
Genomic context (GRCh38, chr11:64,759,880, plus strand): 5'-CAGTCACGTTCTCCACGCCGGCCAGGCCACGCACACTGATTTGCTTTCTTTTCTCTTGGT[CTGACAGGGGCCGGGACA>C]TGGCTGCAGGAGGGCGGGCCGGACTGGACTGATGGTAGAGGGGACGGCGGCCTCAGCACT-3'